The following is an entry in ClinVar:

NM_198551.4(MIA3):c.5586C>T (p.Pro1862=)

Gene: MIA3 (MIA SH3 domain ER export factor 3; plus strand). Cytogenetic location: 1q41.
Variant type: single nucleotide variant.
Coding change: c.5586C>T on transcript NM_198551.4 (MANE Select); coding-DNA position 5586, C replaced by T.
Protein change: p.Pro1862=; no amino-acid change (proline 1862 retained).
Molecular consequence: synonymous variant.
Genome position (GRCh38, 1-based): chr1:222,665,481, C>T. VCF-style: chr1-222665481-C-T. GRCh37 (hg19) VCF-style: chr1-222838823-C-T.
Other names: c.5658C>T (NM_001324062.1); c.2220C>T, p.Pro740= (NM_001300867.2); c.5658C>T, p.Pro1886= (NM_001324062.2); c.5409C>T, p.Pro1803= (NM_001324063.2); c.5094C>T, p.Pro1698= (NM_001324064.2); c.2292C>T, p.Pro764= (NM_001324065.2).
Identifiers: ClinVar variation 4941021 (VCV004941021.2).

ClinVar aggregate classification (germline): Likely benign. Review status: criteria provided, multiple submitters, no conflicts (2 of 4 stars). 2 submissions from 2 submitters: Likely benign (2). Last evaluated 2025-04-10.

Conditions:
MIA3-related condition.

gnomAD v4.1: 1,504 of 1,614,052 alleles (0.093%); highest among the groups gnomAD compares: Non-Finnish European, 0.11%; 1 homozygote.

Submissions (2):

PreventionGenetics, part of Exact Sciences
Classification: Likely benign for MIA3-related condition. Last evaluated: 2025-04-10. Review status: criteria provided, single submitter. Criteria: ACMG Guidelines, 2015. Collection method: clinical testing. Allele origin: germline.
Comment: This variant is classified as likely benign based on ACMG/AMP sequence variant interpretation guidelines (Richards et al. 2015 PMID: 25741868, with internal and published modifications).

Blueprint Genetics
Classification: Likely benign. Last evaluated: 2024-10-09. Review status: criteria provided, single submitter. Criteria: ACMG Guidelines, 2015. Collection method: clinical testing. Allele origin: germline.